The following is an entry in ClinVar:

ClinVar aggregate classification (germline): Uncertain significance (1 of 4 stars; one submission).

Allele frequency attached by ClinVar (database versions not stated): gnomAD exomes below 0.00001.
gnomAD v4.1: 2 of 1,613,716 alleles (0.00012%); highest among the groups gnomAD compares: Non-Finnish European, 0.00017%; no homozygotes.

Submission:

Labcorp Genetics (formerly Invitae), Labcorp
Classification: Uncertain significance. Last evaluated: 2022-08-22. Review status: criteria provided, single submitter. Criteria: Invitae Variant Classification Sherloc (09022015). Collection method: clinical testing. Allele origin: germline.
Comment: This sequence change replaces threonine, which is neutral and polar, with isoleucine, which is neutral and non-polar, at codon 421 of the ABCC6 protein (p.Thr421Ile). This variant is not present in population databases (gnomAD no frequency). This variant has not been reported in the literature in individuals affected with ABCC6-related conditions. Advanced modeling of protein sequence and biophysical properties (such as structural, functional, and spatial information, amino acid conservation, physicochemical variation, residue mobility, and thermodynamic stability) performed at Invitae indicates that this missense variant is not expected to disrupt ABCC6 protein function. In summary, the available evidence is currently insufficient to determine the role of this variant in disease. Therefore, it has been classified as a Variant of Uncertain Significance.

NM_001171.6(ABCC6):c.1262C>T (p.Thr421Ile)

Gene: ABCC6 (ATP binding cassette subfamily C member 6; minus strand). Cytogenetic location: 16p13.11.
Variant type: single nucleotide variant.
Coding change: c.1262C>T on transcript NM_001171.6 (MANE Select); coding-DNA position 1262, C replaced by T.
Protein change: p.Thr421Ile; replaces threonine 421 with isoleucine.
Molecular consequence: missense variant. On other transcripts: non-coding transcript variant (1).
Genome position (GRCh38, 1-based): chr16:16,198,097, G>A on the plus strand (C>T on the coding strand, the complement: ABCC6 is on the minus strand). VCF-style: chr16-16198097-G-A. GRCh37 (hg19) VCF-style: chr16-16291954-G-A.
Other names: c.920C>T, p.Thr307Ile (NM_001351800.1); short protein forms T307I, T421I.
Identifiers: ClinVar variation 1948753 (VCV001948753.2), dbSNP rs2511036491, ClinGen allele CA394890303.